The following is an entry in ClinVar:

NM_032043.3(BRIP1):c.1535A>C (p.Glu512Ala)

Gene: BRIP1 (BRCA1 interacting DNA helicase 1; minus strand). Cytogenetic location: 17q23.2.
Variant type: single nucleotide variant.
Coding change: c.1535A>C on transcript NM_032043.3 (MANE Select); coding-DNA position 1535, A replaced by C.
Protein change: p.Glu512Ala; replaces glutamic acid 512 with alanine.
Molecular consequence: missense variant.
Genome position (GRCh38, 1-based): chr17:61,784,363, T>G on the plus strand (A>C on the coding strand, the complement: BRIP1 is on the minus strand). VCF-style: chr17-61784363-T-G. GRCh37 (hg19) VCF-style: chr17-59861724-T-G.
Other names: short protein forms E512A.
Identifiers: ClinVar variation 1774703 (VCV001774703.2), dbSNP rs2145138857, ClinGen allele CA400481262.
Genomic context (GRCh38, chr17:61,784,363, plus strand): 5'-ATAAAAAGTCCTTTAAGCATTATTTGAGTTGATGCACTAATAACAGGTACTTCTCTTGCC[T>G]CCTCTTTACCATAAATTGGTGAGATTTTTTCCTCTTTTTGAAGAACAGCAGAAAAATGTC-3'
Protein context (NP_114432.2, residues 502-522): EKISPIYGKE[Glu512Ala]AREVPVISAS

ClinVar aggregate classification (germline): Uncertain significance (1 of 4 stars; one submission).

Conditions:
Hereditary cancer-predisposing syndrome. Also called: Hereditary Cancer Syndrome; Hereditary neoplastic syndrome; Neoplastic Syndromes, Hereditary; Tumor predisposition. Identifiers: Orphanet 140162, MedGen C0027672, MeSH D009386, MONDO:0015356.

Submission:

Ambry Genetics
Classification: Uncertain significance for Hereditary cancer-predisposing syndrome. Last evaluated: 2022-05-21. Review status: criteria provided, single submitter. Criteria: Ambry Variant Classification Scheme 2023. Collection method: clinical testing. Allele origin: germline.
Comment: The p.E512A variant (also known as c.1535A>C), located in coding exon 10 of the BRIP1 gene, results from an A to C substitution at nucleotide position 1535. The glutamic acid at codon 512 is replaced by alanine, an amino acid with dissimilar properties. This amino acid position is conserved. In addition, this alteration is predicted to be tolerated by in silico analysis. Since supporting evidence is limited at this time, the clinical significance of this alteration remains unclear.